The following is an entry in ClinVar:

ClinVar aggregate classification (germline): Likely pathogenic. Review status: criteria provided, multiple submitters, no conflicts (2 of 4 stars). 2 submissions from 2 submitters: Likely pathogenic (2). Last evaluated 2023-05-18.

Conditions:
Joubert syndrome 21 (JBTS21). Identifiers: MedGen C3810212, MONDO:0014288, OMIM 615636.

Allele frequency attached by ClinVar (database versions not stated): gnomAD exomes below 0.00001.
gnomAD v4.1: 1 of 1,607,900 alleles (0.000062%); highest among the groups gnomAD compares: Non-Finnish European, 0.000085%; no homozygotes.

Submissions (2):

Labcorp Genetics (formerly Invitae), Labcorp
Classification: Likely pathogenic for Joubert syndrome 21. Last evaluated: 2023-05-18. Review status: criteria provided, single submitter. Criteria: Invitae Variant Classification Sherloc (09022015). Collection method: clinical testing. Allele origin: germline.
Comment: In summary, the currently available evidence indicates that the variant is pathogenic, but additional data are needed to prove that conclusively. Therefore, this variant has been classified as Likely Pathogenic. Algorithms developed to predict the effect of sequence changes on RNA splicing suggest that this variant may disrupt the consensus splice site. ClinVar contains an entry for this variant (Variation ID: 422290). This variant has not been reported in the literature in individuals affected with CSPP1-related conditions. This sequence change affects an acceptor splice site in intron 24 of the CSPP1 gene. It is expected to disrupt RNA splicing. Variants that disrupt the donor or acceptor splice site typically lead to a loss of protein function (PMID: 16199547), and loss-of-function variants in CSPP1 are known to be pathogenic (PMID: 24360807, 24360808). This variant is not present in population databases (gnomAD no frequency).

GeneDx
Classification: Likely pathogenic. Last evaluated: 2016-09-28. Review status: criteria provided, single submitter. Criteria: GeneDx Variant Classification (06012015). Collection method: clinical testing. Allele origin: germline. Affected: yes.
Comment: The c.3095-1G>A variant in the CSPP1 gene has not been reported previously as a pathogenic variant nor as a benign variant, to our knowledge. This splice site variant destroys the canonical splice acceptor site in intron 24. It is predicted to cause abnormal gene splicing, either leading to an abnormal message that is subject to nonsense-mediated mRNA decay, or to an abnormal protein product if the message is used for protein translation. The c.3095-1G>A variant was not observed in approximately 5900 individuals of European and African American ancestry in the NHLBI Exome Sequencing Project, indicating it is not a common benign variant in these populations. The c.3095-1G>A variant is a strong candidate for a pathogenic variant.

Literature cited by the submitters: PubMed 16199547 (cited by Labcorp Genetics (formerly Invitae), Labcorp); PubMed 24360807 (cited by Labcorp Genetics (formerly Invitae), Labcorp); PubMed 24360808 (cited by Labcorp Genetics (formerly Invitae), Labcorp).

NM_001382391.1(CSPP1):c.3110-1G>A

Genes: ARFGEF1 (ARF guanine nucleotide exchange factor 1; minus strand), CSPP1 (centrosome and spindle pole associated protein 1; plus strand). Cytogenetic location: 8q13.2.
Variant type: single nucleotide variant.
Coding change: c.3110-1G>A on transcript NM_001382391.1 (MANE Select); the canonical splice acceptor site of the intron before coding-DNA position 3110, G replaced by A.
Molecular consequence: splice acceptor variant. On other transcripts: intron variant (2).
Genome position (GRCh38, 1-based): chr8:67,177,679, G>A. VCF-style: chr8-67177679-G-A. GRCh37 (hg19) VCF-style: chr8-68089914-G-A.
Other names: c.2915-1G>A (NM_001363132.2); c.3029-1G>A (NM_001363131.2); c.2834-1G>A (NM_001363133.2); c.3176-1G>A (NM_001364869.1); c.3095-1G>A (NM_024790.7, NM_001438331.1); c.2942-1G>A (NM_001438330.1); c.2996-1G>A (NM_001364870.1); c.2411-1G>A (NM_001438332.1); and 3 more.
Identifiers: ClinVar variation 422290 (VCV000422290.5), dbSNP rs1064795687, ClinGen allele CA16618689.